The following is an entry in ClinVar:

NM_003128.3(SPTBN1):c.4495-2A>T

Gene: SPTBN1 (spectrin beta, non-erythrocytic 1; plus strand). Cytogenetic location: 2p16.2.
Variant type: single nucleotide variant.
Coding change: c.4495-2A>T on transcript NM_003128.3 (MANE Select); the canonical splice acceptor site of the intron before coding-DNA position 4495, A replaced by T.
Molecular consequence: splice acceptor variant.
Genome position (GRCh38, 1-based): chr2:54,645,926, A>T. VCF-style: chr2-54645926-A-T. GRCh37 (hg19) VCF-style: chr2-54873063-A-T.
Other names: c.4456-2A>T (NM_178313.3).
Identifiers: ClinVar variation 4072485 (VCV004072485.2).

ClinVar aggregate classification (germline): Likely pathogenic (1 of 4 stars; one submission).

Submission:

GeneDx
Classification: Likely pathogenic. Last evaluated: 2025-10-24. Review status: criteria provided, single submitter. Criteria: GeneDx Variant Classification Process June 2021. Collection method: clinical testing. Allele origin: germline.
Comment: Canonical splice site variant predicted to result in an in-frame loss of the adjacent exon in a gene for which loss of function is a known mechanism of disease; Not observed at significant frequency in large population cohorts (gnomAD); Has not been previously published as pathogenic or benign to our knowledge